The following is an entry in ClinVar:

NM_006059.4(LAMC3):c.1126C>T (p.Pro376Ser)

Gene: LAMC3 (laminin subunit gamma 3; plus strand). Cytogenetic location: 9q34.12.
Variant type: single nucleotide variant.
Coding change: c.1126C>T on transcript NM_006059.4 (MANE Select); coding-DNA position 1126, C replaced by T.
Protein change: p.Pro376Ser; replaces proline 376 with serine.
Molecular consequence: missense variant.
Genome position (GRCh38, 1-based): chr9:131,039,013, C>T. VCF-style: chr9-131039013-C-T. GRCh37 (hg19) VCF-style: chr9-133914400-C-T.
Other names: short protein forms P376S.
Identifiers: ClinVar variation 423417 (VCV000423417.2), dbSNP rs1064796412, ClinGen allele CA16618762.

ClinVar aggregate classification (germline): Uncertain significance (1 of 4 stars; one submission).

gnomAD v4.1: 1 of 1,613,602 alleles (0.000062%); highest among the groups gnomAD compares: Non-Finnish European, 0.000085%; no homozygotes.

Submission:

GeneDx
Classification: Uncertain significance. Last evaluated: 2017-02-09. Review status: criteria provided, single submitter. Criteria: GeneDx Variant Classification (06012015). Collection method: clinical testing. Allele origin: germline. Affected: yes.
Comment: A variant of uncertain significance has been identified in the LAMC3 gene. The P376S variant has not been published as a pathogenic variant, nor has it been reported as a benign variant to our knowledge. The P376S variant is not observed in large population cohorts (Lek et al., 2016; 1000 Genomes Consortium et al., 2015; Exome Variant Server). The P376S variant is a non-conservative amino acid substitution, which is likely to impact secondary protein structure as these residues differ in polarity, charge, size and/or other properties. However, this substitution occurs at a position that is not conserved. In silico analysis predicts this variant likely does not alter the protein structure/function. Therefore, based on the currently available information, it is unclear whether this variant is a pathogenic variant or a rare benign variant.